The following is an entry in ClinVar:

ClinVar aggregate classification (germline): Likely benign (1 of 4 stars; one submission).

Conditions:
Parietal foramina 2 (PFM2). Identifiers: Orphanet 60015, MedGen C1865044, MONDO:0012309, OMIM 609597.

Allele frequency attached by ClinVar (database versions not stated): gnomAD 0.00005 and 0.00009; TOPMed 0.00021; gnomAD exomes 0.00037; 1000 Genomes Project 30x 0.00062; 1000 Genomes Project 0.00080.
gnomAD v4.1: 188 of 637,514 alleles (0.029%); highest among the groups gnomAD compares: East Asian, 0.5%; 2 homozygotes.

Submission:

Illumina Laboratory Services, Illumina
Classification: Likely benign for Parietal foramina 2. Last evaluated: 2018-01-13. Review status: criteria provided, single submitter. Criteria: ICSL Variant Classification Criteria 13 December 2019. Collection method: clinical testing. Allele origin: germline.
Comment: This variant was observed in the ICSL laboratory as part of a predisposition screen in an ostensibly healthy population. It had not been previously curated by ICSL or reported in the Human Gene Mutation Database (HGMD: prior to June 1st, 2018), and was therefore a candidate for classification through an automated scoring system. Utilizing variant allele frequency, disease prevalence and penetrance estimates, and inheritance mode, an automated score was calculated to assess if this variant is too frequent to cause the disease. Based on the score and internal cut-off values, a variant classified as likely benign is not then subjected to further curation. The score for this variant resulted in a classification of likely benign for this disease.

NM_021926.4(ALX4):c.*196C>T

Gene: ALX4 (ALX homeobox 4; minus strand). Cytogenetic location: 11p11.2.
Variant type: single nucleotide variant.
Coding change: c.*196C>T on transcript NM_021926.4 (MANE Select); 196 bases downstream of the stop codon, C replaced by T.
Molecular consequence: 3 prime UTR variant.
Genome position (GRCh38, 1-based): chr11:44,264,658, G>A on the plus strand (C>T on the coding strand, the complement: ALX4 is on the minus strand). VCF-style: chr11-44264658-G-A. GRCh37 (hg19) VCF-style: chr11-44286208-G-A.
Identifiers: ClinVar variation 879038 (VCV000879038.4), dbSNP rs189945537, ClinGen allele CA221486931.
Genomic context (GRCh38, chr11:44,264,658, plus strand): 5'-CACCTGGCTTTCTCCACTGCCTGTGGCCGGGAGCAGGGGTCAGGGCCTCAGTGCCAGGGA[G>A]GGGCCAGGGGCCTGCTGCCCCCTCCCTCCCAGCAGTCCACGGGGCCTCAGACTTGGGGCG-3'